The following is an entry in ClinVar:

ClinVar aggregate classification (germline): Uncertain significance. Review status: criteria provided, multiple submitters, no conflicts (2 of 4 stars). 2 submissions from 2 submitters: Uncertain significance (2). Last evaluated 2025-08-02.

Conditions:
Hereditary cancer-predisposing syndrome. Also called: Hereditary Cancer Syndrome; Hereditary neoplastic syndrome; Neoplastic Syndromes, Hereditary; Tumor predisposition. Identifiers: Orphanet 140162, MedGen C0027672, MeSH D009386, MONDO:0015356.
Familial cancer of breast. Also called: Hereditary breast cancer; BREAST CANCER, FAMILIAL; hereditary breast carcinoma. Identifiers: Orphanet 227535, MedGen C0346153, MONDO:0016419, OMIM 114480. Disease mechanism: loss of function.

Submissions (2):

Labcorp Genetics (formerly Invitae), Labcorp
Classification: Uncertain significance for Familial cancer of breast. Last evaluated: 2025-08-02. Review status: criteria provided, single submitter. Criteria: Invitae Variant Classification Sherloc (09022015). Collection method: clinical testing. Allele origin: germline.
Comment: This sequence change replaces serine, which is neutral and polar, with alanine, which is neutral and non-polar, at codon 1058 of the PALB2 protein (p.Ser1058Ala). This variant is not present in population databases (gnomAD no frequency). This variant has not been reported in the literature in individuals affected with PALB2-related conditions. ClinVar contains an entry for this variant (Variation ID: 216751). Invitae Evidence Modeling of protein sequence and biophysical properties (such as structural, functional, and spatial information, amino acid conservation, physicochemical variation, residue mobility, and thermodynamic stability) indicates that this missense variant is expected to disrupt PALB2 protein function with a positive predictive value of 80%. In summary, the available evidence is currently insufficient to determine the role of this variant in disease. Therefore, it has been classified as a Variant of Uncertain Significance.

Ambry Genetics
Classification: Uncertain significance for Hereditary cancer-predisposing syndrome. Last evaluated: 2023-12-31. Review status: criteria provided, single submitter. Criteria: Ambry Variant Classification Scheme 2023. Collection method: clinical testing. Allele origin: germline.
Comment: The p.S1058A variant (also known as c.3172T>G), located in coding exon 11 of the PALB2 gene, results from a T to G substitution at nucleotide position 3172. The serine at codon 1058 is replaced by alanine, an amino acid with similar properties. This amino acid position is well conserved in available vertebrate species. In addition, this alteration is predicted to be tolerated by in silico analysis. Since supporting evidence is limited at this time, the clinical significance of this alteration remains unclear.

NM_024675.4(PALB2):c.3172T>G (p.Ser1058Ala)

Gene: PALB2 (partner and localizer of BRCA2; minus strand). Cytogenetic location: 16p12.2.
Variant type: single nucleotide variant.
Coding change: c.3172T>G on transcript NM_024675.4 (MANE Select); coding-DNA position 3172, T replaced by G.
Protein change: p.Ser1058Ala; replaces serine 1058 with alanine.
Molecular consequence: missense variant.
Genome position (GRCh38, 1-based): chr16:23,614,033, A>C on the plus strand (T>G on the coding strand, the complement: PALB2 is on the minus strand). VCF-style: chr16-23614033-A-C. GRCh37 (hg19) VCF-style: chr16-23625354-A-C.
Other names: short protein forms S1058A.
Identifiers: ClinVar variation 216751 (VCV000216751.15), dbSNP rs863224784, ClinGen allele CA338143.